The following is an entry in ClinVar:

NM_001286577.2(C2CD3):c.1962+6T>A

Gene: C2CD3 (C2 domain containing 3 centriole elongation regulator; minus strand). Cytogenetic location: 11q13.4.
Variant type: single nucleotide variant.
Coding change: c.1962+6T>A on transcript NM_001286577.2 (MANE Select); 6 bases into the intron after coding-DNA position 1962, T replaced by A.
Molecular consequence: intron variant.
Genome position (GRCh38, 1-based): chr11:74,109,028, A>T on the plus strand (T>A on the coding strand, the complement: C2CD3 is on the minus strand). VCF-style: chr11-74109028-A-T. GRCh37 (hg19) VCF-style: chr11-73820073-A-T.
Other names: c.1962+6T>A (NM_015531.6).
Identifiers: ClinVar variation 708107 (VCV000708107.11), dbSNP rs186648174, ClinGen allele CA6182761.

ClinVar aggregate classification (germline): Likely benign. Review status: criteria provided, multiple submitters, no conflicts (2 of 4 stars). 2 submissions from 2 submitters: Likely benign (2). Last evaluated 2026-01-26.

Conditions:
C2CD3-related disorder. Also called: C2CD3-related condition.

Allele frequency attached by ClinVar (database versions not stated): gnomAD exomes 0.00017 and 0.00043; ExAC 0.00054; 1000 Genomes Project 0.00120; 1000 Genomes Project 30x 0.00125; gnomAD 0.00180 and 0.00197; ESP Exome Variant Server 0.00200; TOPMed 0.00207.
gnomAD v4.1: 525 of 1,503,294 alleles (0.035%); highest among the groups gnomAD compares: African/African-American, 0.64%; 1 homozygote.

Submissions (2):

Labcorp Genetics (formerly Invitae), Labcorp
Classification: Likely benign. Last evaluated: 2026-01-26. Review status: criteria provided, single submitter. Criteria: Invitae Variant Classification Sherloc (09022015). Collection method: clinical testing. Allele origin: germline.

PreventionGenetics, part of Exact Sciences
Classification: Likely benign for C2CD3-related condition. Last evaluated: 2025-08-12. Review status: criteria provided, single submitter. Criteria: ACMG Guidelines, 2015. Collection method: clinical testing. Allele origin: germline.
Comment: This variant is classified as likely benign based on ACMG/AMP sequence variant interpretation guidelines (Richards et al. 2015 PMID: 25741868, with internal and published modifications).